The following is an entry in ClinVar:

ClinVar aggregate classification (germline): Uncertain significance (1 of 4 stars; one submission).

Conditions:
Neurodevelopmental disorder with hypotonia, impaired speech, and behavioral abnormalities (NEDHISB). Also called: GNAI1-Related Neurodevelopmental Disorder. Identifiers: MedGen C5676975, MONDO:0859243, OMIM 619854.

gnomAD v4.1: 4 of 1,609,460 alleles (0.00025%); highest among the groups gnomAD compares: South Asian, 0.0022%; no homozygotes.

Submission:

Foundation for Research in Genetics and Endocrinology, FRIGE's Institute of Human Genetics
Classification: Uncertain significance for Neurodevelopmental disorder with hypotonia, impaired speech, and behavioral abnormalities. Last evaluated: 2025-12-11. Review status: criteria provided, single submitter. Criteria: ACMG Guidelines, 2015. Collection method: clinical testing. Allele origin: germline. Inheritance: Autosomal dominant inheritance. Affected: yes. Observed: 1 heterozygote.
Comment: A heterozygous missense variant in exon 4 of the GNAI1 gene that results in the amino acid substitution of Cysteine for Arginine at codon 105 (p.Arg105Cys) was detected. This variant has not been reported in the 1000 genomes and gnomAD (v3.1) databases and has a minor allele frequency of 0.0008% and 0.0004% in the gnomAD (v2.1) and topmed databases respectively. The in-silico predictions of the variant are damaging by SIFT, LRT, FATHMM and MetaSVM. The reference codon is conserved across species. In summary, the variant meets our criteria to be classified as the variant of uncertain signifcance.

NM_002069.6(GNAI1):c.313C>T (p.Arg105Cys)

Gene: GNAI1 (G protein subunit alpha i1; plus strand). Cytogenetic location: 7q21.11.
Variant type: single nucleotide variant.
Coding change: c.313C>T on transcript NM_002069.6 (MANE Select); coding-DNA position 313, C replaced by T.
Protein change: p.Arg105Cys; replaces arginine 105 with cysteine.
Molecular consequence: missense variant.
Genome position (GRCh38, 1-based): chr7:80,199,234, C>T. VCF-style: chr7-80199234-C-T. GRCh37 (hg19) VCF-style: chr7-79828550-C-T.
Other names: p.Arg105Cys; c.157C>T, p.Arg53Cys (NM_001256414.2); short protein forms R105C, R53C.
Identifiers: ClinVar variation 4683132 (VCV004683132.1).